The following is an entry in ClinVar:

ClinVar aggregate classification (germline): Likely benign. Review status: criteria provided, single submitter (1 of 4 stars). 2 submissions from 2 submitters: Likely benign (1). 1 of the submissions does not count toward it. Last evaluated 2025-02-03.

Conditions:
MTHFD1-related disorder. Also called: MTHFD1-related condition.

Allele frequency attached by ClinVar (database versions not stated): gnomAD exomes below 0.00001.
gnomAD v4.1: 2 of 1,613,896 alleles (0.00012%); highest among the groups gnomAD compares: South Asian, 0.0022%; no homozygotes.

Submissions (2):

Labcorp Genetics (formerly Invitae), Labcorp
Classification: Likely benign. Last evaluated: 2025-02-03. Review status: criteria provided, single submitter. Criteria: Invitae Variant Classification Sherloc (09022015). Collection method: clinical testing. Allele origin: germline.

PreventionGenetics, part of Exact Sciences
Classification: Likely benign for MTHFD1-related condition. Last evaluated: 2023-12-05. Review status: no assertion criteria provided. Collection method: clinical testing. Allele origin: germline. Not counted in ClinVar's aggregate classification.
Comment: This variant is classified as likely benign based on ACMG/AMP sequence variant interpretation guidelines (Richards et al. 2015 PMID: 25741868, with internal and published modifications).

NM_005956.4(MTHFD1):c.1896G>A (p.Val632=)

Gene: MTHFD1 (methylenetetrahydrofolate dehydrogenase, cyclohydrolase and formyltetrahydrofolate synthetase 1; plus strand). Cytogenetic location: 14q23.3.
Variant type: single nucleotide variant.
Coding change: c.1896G>A on transcript NM_005956.4 (MANE Select); coding-DNA position 1896, G replaced by A.
Protein change: p.Val632=; no amino-acid change (valine 632 retained).
Molecular consequence: synonymous variant.
Genome position (GRCh38, 1-based): chr14:64,442,065, G>A. VCF-style: chr14-64442065-G-A. GRCh37 (hg19) VCF-style: chr14-64908783-G-A.
Other names: c.1896G>A, p.Val632= (NM_001364837.1); c.1896G>A (NM_005956.3).
Identifiers: ClinVar variation 1670510 (VCV001670510.10), dbSNP rs2140975737, ClinGen allele CA486961841.